The following is an entry in ClinVar:

NM_002617.4(PEX10):c.*173G>A

Gene: PEX10 (peroxisomal biogenesis factor 10; minus strand). Cytogenetic location: 1p36.32.
Variant type: single nucleotide variant.
Coding change: c.*173G>A on transcript NM_002617.4 (MANE Select); 173 bases downstream of the stop codon, G replaced by A.
Molecular consequence: 3 prime UTR variant. On other transcripts: non-coding transcript variant (1).
Genome position (GRCh38, 1-based): chr1:2,405,593, C>T on the plus strand (G>A on the coding strand, the complement: PEX10 is on the minus strand). VCF-style: chr1-2405593-C-T. GRCh37 (hg19) VCF-style: chr1-2337032-C-T.
Other names: c.*173G>A (NM_001374425.1, NM_001374426.1, NM_001374427.1 and 1 more transcripts).
Identifiers: ClinVar variation 296268 (VCV000296268.7), dbSNP rs1129171, ClinGen allele CA10609901.

ClinVar aggregate classification (germline): Benign. Review status: criteria provided, multiple submitters, no conflicts (2 of 4 stars). 3 submissions from 3 submitters: Benign (3). Last evaluated 2018-09-26.

Conditions:
Peroxisome biogenesis disorder 6A (Zellweger). Also called: Peroxisome biogenesis disorder 6A. Identifiers: Orphanet 912, MedGen C3553947, MONDO:0013936, OMIM 614870.

Allele frequency attached by ClinVar (database versions not stated): gnomAD 0.27656 and 0.28162; TOPMed 0.28295; 1000 Genomes Project 30x 0.29856; gnomAD exomes 0.33007; 1000 Genomes Project 0.30651.
gnomAD v4.1: 231,694 of 725,964 alleles (32%); highest among the groups gnomAD compares: East Asian, 49%; 38,642 homozygotes.

Submissions (3):

GeneDx
Classification: Benign. Last evaluated: 2018-09-26. Review status: criteria provided, single submitter. Criteria: GeneDx Variant Classification Process June 2021. Collection method: clinical testing. Allele origin: germline. Affected: yes.

Illumina Laboratory Services, Illumina
Classification: Benign for Peroxisome biogenesis disorder 6A (Zellweger). Last evaluated: 2018-01-13. Review status: criteria provided, single submitter. Criteria: ICSL Variant Classification Criteria 13 December 2019. Collection method: clinical testing. Allele origin: germline.
Comment: This variant was observed in the ICSL laboratory as part of a predisposition screen in an ostensibly healthy population. It had not been previously curated by ICSL or reported in the Human Gene Mutation Database (HGMD: prior to June 1st, 2018), and was therefore a candidate for classification through an automated scoring system. Utilizing variant allele frequency, disease prevalence and penetrance estimates, and inheritance mode, an automated score was calculated to assess if this variant is too frequent to cause the disease. Based on the score and internal cut-off values, a variant classified as benign is not then subjected to further curation. The score for this variant resulted in a classification of benign for this disease.

Breakthrough Genomics
Classification: Benign. Review status: criteria provided, single submitter. Criteria: ACMG Guidelines, 2015. Collection method: not provided. Allele origin: germline. Inheritance: Autosomal recessive inheritance. Affected: yes.